The following is an entry in ClinVar:

NM_001005242.3(PKP2):c.2419del (p.Thr807fs)

Gene: PKP2 (plakophilin 2; minus strand). Cytogenetic location: 12p11.21.
Variant type: Deletion.
Coding change: c.2419del on transcript NM_001005242.3 (MANE Select); coding-DNA position 2419, one base deleted (A; older notation c.2419delA).
Protein change: p.Thr807fs; shifts the reading frame from threonine 807.
Molecular consequence: frameshift variant.
Genome position (GRCh38, 1-based): chr12:32,792,670, T deleted on the plus strand (A on the coding strand, the reverse complement: PKP2 is on the minus strand). VCF-style (leftmost placement, unchanged base first): chr12-32792669-GT-G. GRCh37 (hg19) VCF-style: chr12-32945603-GT-G.
Other names: c.2551del, p.Thr851fs (NM_004572.4); c.2551delA (NM_004572.3); short protein forms T851fs, T807fs.
Identifiers: ClinVar variation 179315 (VCV000179315.5), dbSNP rs727504786, ClinGen allele CA012158.

ClinVar aggregate classification (germline): Likely pathogenic (1 of 4 stars; one submission).

Conditions:
Arrhythmogenic right ventricular cardiomyopathy (ARVD). Also called: Arrhythmogenic cardiomyopathy; Arrhythmogenic Right Ventricular Cardiomyopathy (ARVC); Cardiomyopathy, ARVC; Arrhythmogenic right ventricular dysplasia. Identifiers: Orphanet 247, MedGen C0349788, MeSH D019571, MONDO:0016587. Disease mechanism: loss of function. Inheritance: Various modes of inheritance.

Submission:

Laboratory for Molecular Medicine, Mass General Brigham Personalized Medicine
Classification: Likely pathogenic for Arrhythmogenic right ventricular cardiomyopathy. Last evaluated: 2015-04-08. Review status: criteria provided, single submitter. Criteria: LMM Criteria. Collection method: clinical testing. Allele origin: germline. Inheritance: Autosomal dominant inheritance. Observed: 1 variant allele.
Comment: The p.Thr851fsExtX50 variant in PKP2 has not been previously reported in any oth er families with cardiomyopathy or in large population studies. This variant is predicted to cause a frameshift at amino acid 851 which alters the terminal 30 a mino acids and the stop codon such that an additional 50 amino acids are generat ed before introducing a new stop codon. Heterozygous loss of PKP2 function is an established disease mechanism for ARVC; however it is unclear how the p.Thr851f sExtX50 variant would impact the protein function. Of note, 4 other variants hav ing a similar impact to the protein (p.Ser837fsExtX50, p.Leu847fsExtX50, p.Glu85 2fsExtX50, p.Lys859fsExtX50) have been described in >15 individuals with ARVC (G erull 2004, Antoniades 2006, Dalal 2006, Asimaki 2009, Dalal 2009, Fressart 2010 , Den Haan 2009, Watkins 2009, Qiu 2009, Xu 2010, Barahona-Dussault 2010, Tan, 2 010, Cox 2011, Baskin 2013, Alcalde 2014), suggesting that PKP2 protein extensio n variants are disease-causing. In summary, although additional studies are requ ired to fully establish its clinical significance, the p.Thr851fsExtX50 variant is likely pathogenic.

Literature cited by the submitters: PubMed 15489853; PubMed 20152563; PubMed 19358943; PubMed 19863551; PubMed 16893920; PubMed 20400443; PubMed 21606396; PubMed 24967631; PubMed 20857253; PubMed 23812740; PubMed 19279339; PubMed 16549640; PubMed 20031617; PubMed 19880068; PubMed 19427443.